The following is an entry in ClinVar:

NM_001146079.2(CLDN14):c.690C>T (p.His230=)

Genes: CLDN14 (claudin 14; minus strand), CLDN14-AS1 (CLDN14 antisense RNA 1; plus strand). Cytogenetic location: 21q22.13.
Variant type: single nucleotide variant.
Coding change: c.690C>T on transcript NM_001146079.2 (MANE Select); coding-DNA position 690, C replaced by T.
Protein change: p.His230=; no amino-acid change (histidine 230 retained).
Molecular consequence: synonymous variant.
Genome position (GRCh38, 1-based): chr21:36,461,006, G>A on the plus strand (C>T on the coding strand, the complement: CLDN14 is on the minus strand). VCF-style: chr21-36461006-G-A. GRCh37 (hg19) VCF-style: chr21-37833304-G-A.
Other names: c.690C>T, p.His230= (NM_001146077.2, NM_001146078.3, NM_012130.4 and 1 more transcripts).
Identifiers: ClinVar variation 44089 (VCV000044089.62), dbSNP rs149733854, ClinGen allele CA133535.
Genomic context (GRCh38, chr21:36,461,006, plus strand): 5'-CAGCCCAGGGGAGAAGCAGGCTGTGGGGACTCACACGTAGTCGTTCAGCCTGTACCCGCT[G>A]TGCGTGGCCGAGGTCACTGAGGGGGCCCGATTGTCTTTGTAGGCAGCTGGTGGCTGGTAG-3'
Protein context (NP_001139551.1, residues 220-239): NRAPSVTSAT[His230=]SGYRLNDYV

ClinVar aggregate classification (germline): Conflicting classifications of pathogenicity. Review status: criteria provided, conflicting classifications (1 of 4 stars). 7 submissions from 7 submitters: Uncertain significance (2); Benign (2); Likely benign (3). Last evaluated 2025-12-11.

Conditions:
Autosomal recessive nonsyndromic hearing loss 29. Identifiers: Orphanet 90636, MedGen C3279660, MONDO:0013537, OMIM 614035.

Allele frequency attached by ClinVar (database versions not stated): 1000 Genomes Project 30x 0.00031; 1000 Genomes Project 0.00040; gnomAD 0.00049 and 0.00050; ESP Exome Variant Server 0.00054; TOPMed 0.00055; gnomAD exomes 0.00076; ExAC 0.00077.
gnomAD v4.1: 867 of 1,613,256 alleles (0.054%); highest among the groups gnomAD compares: Middle Eastern, 0.5%; no homozygotes.

Submissions (7):

Labcorp Genetics (formerly Invitae), Labcorp
Classification: Benign. Last evaluated: 2025-12-11. Review status: criteria provided, single submitter. Criteria: Invitae Variant Classification Sherloc (09022015). Collection method: clinical testing. Allele origin: germline.

CeGaT Center for Human Genetics Tuebingen
Classification: Likely benign. Last evaluated: 2025-02-01. Review status: criteria provided, single submitter. Criteria: CeGaT Center For Human Genetics Tuebingen Variant Classification Criteria Version 2. Collection method: clinical testing. Allele origin: germline. Affected: yes. Observed: 3 variant alleles.
Comment: CLDN14: BP4

Blueprint Genetics
Classification: Likely benign. Last evaluated: 2024-11-19. Review status: criteria provided, single submitter. Criteria: ACMG Guidelines, 2015. Collection method: clinical testing. Allele origin: germline.

GeneDx
Classification: Benign. Last evaluated: 2018-09-11. Review status: criteria provided, single submitter. Criteria: GeneDx Variant Classification Process June 2021. Collection method: clinical testing. Allele origin: germline. Affected: yes.

Illumina Laboratory Services, Illumina
Classification: Uncertain significance for Autosomal recessive nonsyndromic hearing loss 29. Last evaluated: 2017-04-27. Review status: criteria provided, single submitter. Criteria: ICSL Variant Classification Criteria 13 December 2019. Collection method: clinical testing. Allele origin: germline.

Laboratory for Molecular Medicine, Mass General Brigham Personalized Medicine
Classification: Likely benign. Last evaluated: 2015-09-14. Review status: criteria provided, single submitter. Criteria: LMM Criteria. Collection method: clinical testing. Allele origin: germline. Observed: 6 variant alleles.
Comment: p.His230His in exon 3 of CLDN14: This variant is not expected to have clinical s ignificance because it does not alter an amino acid residue, is not located with in the splice consensus sequence, and has been identified in 0.1% (77/65304) of European chromosomes by the Exome Aggregation Consortium (ExAC; dbSNP rs149733854).

Eurofins Ntd Llc (ga)
Classification: Uncertain significance. Last evaluated: 2015-07-29. Review status: criteria provided, single submitter. Criteria: EGL Classification Definitions 2015. Collection method: clinical testing. Allele origin: germline. Observed: 1 variant allele, 1 heterozygote.